The following is an entry in ClinVar:

ClinVar aggregate classification (germline): Uncertain significance (1 of 4 stars; one submission).

Conditions:
Muscular dystrophy-dystroglycanopathy (congenital with brain and eye anomalies), type a, 11 (MDDGA11). Also called: WALKER-WARBURG SYNDROME OR MUSCLE-EYE-BRAIN DISEASE, B3GALNT2-RELATED; Muscular dystrophy-dystroglycanopathy (congenital with brain and eye anomalies, type A, 11; Congenital muscular dystrophy-dystroglycanopathy with brain and eye anomalies, type A11. Identifiers: Orphanet 588, Orphanet 899, MedGen C3554638, MONDO:0014071, OMIM 615181.

Allele frequency attached by ClinVar (database versions not stated): gnomAD exomes 0.00001.
gnomAD v4.1: 5 of 1,613,994 alleles (0.00031%); highest among the groups gnomAD compares: Non-Finnish European, 0.00042%; no homozygotes.

Submission:

Labcorp Genetics (formerly Invitae), Labcorp
Classification: Uncertain significance for Muscular dystrophy-dystroglycanopathy (congenital with brain and eye anomalies), type a, 11. Last evaluated: 2019-09-28. Review status: criteria provided, single submitter. Criteria: Invitae Variant Classification Sherloc (09022015). Collection method: clinical testing. Allele origin: germline.
Comment: Algorithms developed to predict the effect of missense changes on protein structure and function (SIFT, PolyPhen-2, Align-GVGD) all suggest that this variant is likely to be tolerated, but these predictions have not been confirmed by published functional studies and their clinical significance is uncertain. This variant has not been reported in the literature in individuals with B3GALNT2-related conditions. This variant is not present in population databases (ExAC no frequency). This sequence change replaces threonine with isoleucine at codon 465 of the B3GALNT2 protein (p.Thr465Ile). The threonine residue is weakly conserved and there is a moderate physicochemical difference between threonine and isoleucine. In summary, the available evidence is currently insufficient to determine the role of this variant in disease. Therefore, it has been classified as a Variant of Uncertain Significance.

NM_152490.5(B3GALNT2):c.1394C>T (p.Thr465Ile)

Genes: B3GALNT2 (beta-1,3-N-acetylgalactosaminyltransferase 2; minus strand), TBCE (tubulin folding cofactor E; plus strand). Cytogenetic location: 1q42.3.
Variant type: single nucleotide variant.
Coding change: c.1394C>T on transcript NM_152490.5 (MANE Select); coding-DNA position 1394, C replaced by T.
Protein change: p.Thr465Ile; replaces threonine 465 with isoleucine.
Molecular consequence: missense variant. On other transcripts: 3 prime UTR variant (4).
Genome position (GRCh38, 1-based): chr1:235,450,315, G>A on the plus strand (C>T on the coding strand, the complement: B3GALNT2 is on the minus strand). VCF-style: chr1-235450315-G-A. GRCh37 (hg19) VCF-style: chr1-235613630-G-A.
Other names: c.*1553G>A (NM_001079515.3, NM_001287801.2, NM_001287802.2 and 1 more transcripts); short protein forms T465I.
Identifiers: ClinVar variation 938545 (VCV000938545.7), dbSNP rs1682820322, ClinGen allele CA344954405.
Genomic context (GRCh38, chr1:235,450,315, plus strand): 5'-CACAGTTCCGTCAGTTCCCACGGAGAATACTGAGGAGAAGACAGCATTCCTGTCTCACAG[G>A]TCTTCTCACACAGCCACAGACTGTCCTGTTGAGAAACAACCAAAGCCGATCTGAGAGTGG-3'
Protein context (NP_689703.1, residues 455-475): YQDSLWLCEK[Thr465Ile]CETGMLSSPQ